The following is an entry in ClinVar:

NM_005138.3(SCO2):c.756C>G (p.Asp252Glu)

Genes: NCAPH2 (non-SMC condensin II complex subunit H2; plus strand), SCO2 (synthesis of cytochrome C oxidase 2; minus strand). Cytogenetic location: 22q13.33.
Variant type: single nucleotide variant.
Coding change: c.756C>G on transcript NM_005138.3 (MANE Select); coding-DNA position 756, C replaced by G.
Protein change: p.Asp252Glu; replaces aspartic acid 252 with glutamic acid.
Molecular consequence: missense variant. On other transcripts: 3 prime UTR variant (2).
Genome position (GRCh38, 1-based): chr22:50,523,656, G>C on the plus strand (C>G on the coding strand, the complement: SCO2 is on the minus strand). VCF-style: chr22-50523656-G-C. GRCh37 (hg19) VCF-style: chr22-50962085-G-C.
Other names: c.*281G>C (NM_001185011.2, NM_152299.4); c.756C>G, p.Asp252Glu (NM_001169109.2, NM_001169110.1, NM_001169111.2); short protein forms D252E.
Identifiers: ClinVar variation 1374485 (VCV001374485.6), dbSNP rs779810137, ClinGen allele CA10321116.

ClinVar aggregate classification (germline): Uncertain significance (1 of 4 stars; one submission).

Allele frequency attached by ClinVar (database versions not stated): gnomAD exomes below 0.00001; ExAC 0.00001.

Submission:

Labcorp Genetics (formerly Invitae), Labcorp
Classification: Uncertain significance. Last evaluated: 2024-10-21. Review status: criteria provided, single submitter. Criteria: Invitae Variant Classification Sherloc (09022015). Collection method: clinical testing. Allele origin: germline.
Comment: This sequence change replaces aspartic acid, which is acidic and polar, with glutamic acid, which is acidic and polar, at codon 252 of the SCO2 protein (p.Asp252Glu). This variant is present in population databases (rs779810137, gnomAD 0.0009%). This variant has not been reported in the literature in individuals affected with SCO2-related conditions. ClinVar contains an entry for this variant (Variation ID: 1374485). Invitae Evidence Modeling of protein sequence and biophysical properties (such as structural, functional, and spatial information, amino acid conservation, physicochemical variation, residue mobility, and thermodynamic stability) indicates that this missense variant is not expected to disrupt SCO2 protein function with a negative predictive value of 80%. In summary, the available evidence is currently insufficient to determine the role of this variant in disease. Therefore, it has been classified as a Variant of Uncertain Significance.